The following is an entry in ClinVar:

NM_025132.4(WDR19):c.2551G>A (p.Glu851Lys)

Gene: WDR19 (WD repeat domain 19; plus strand). Cytogenetic location: 4p14.
Variant type: single nucleotide variant.
Coding change: c.2551G>A on transcript NM_025132.4 (MANE Select); coding-DNA position 2551, G replaced by A.
Protein change: p.Glu851Lys; replaces glutamic acid 851 with lysine.
Molecular consequence: missense variant.
Genome position (GRCh38, 1-based): chr4:39,244,377, G>A. VCF-style: chr4-39244377-G-A. GRCh37 (hg19) VCF-style: chr4-39245997-G-A.
Other names: c.2071G>A, p.Glu691Lys (NM_001317924.2); short protein forms E851K, E691K.
Identifiers: ClinVar variation 2105508 (VCV002105508.4), dbSNP rs2475269307, ClinGen allele CA356637514.

ClinVar aggregate classification (germline): Uncertain significance (1 of 4 stars; one submission).

Conditions:
Asphyxiating thoracic dystrophy 5 (SRTD5). Also called: SHORT-RIB THORACIC DYSPLASIA 5 WITHOUT POLYDACTYLY; SHORT-RIB THORACIC DYSPLASIA 5 WITH OR WITHOUT POLYDACTYLY. Identifiers: Orphanet 474, MedGen C3280598, MONDO:0013717, OMIM 614376.
Senior-Loken syndrome 8 (SLSN8). Identifiers: Orphanet 3156, MedGen C4225376, MONDO:0014579, OMIM 616307.

Submission:

Labcorp Genetics (formerly Invitae), Labcorp
Classification: Uncertain significance for Senior-Loken syndrome 8; Asphyxiating thoracic dystrophy 5. Last evaluated: 2024-02-05. Review status: criteria provided, single submitter. Criteria: Invitae Variant Classification Sherloc (09022015). Collection method: clinical testing. Allele origin: germline.
Comment: This sequence change replaces glutamic acid, which is acidic and polar, with lysine, which is basic and polar, at codon 851 of the WDR19 protein (p.Glu851Lys). This variant is not present in population databases (gnomAD no frequency). This variant has not been reported in the literature in individuals affected with WDR19-related conditions. ClinVar contains an entry for this variant (Variation ID: 2105508). Advanced modeling of protein sequence and biophysical properties (such as structural, functional, and spatial information, amino acid conservation, physicochemical variation, residue mobility, and thermodynamic stability) performed at Invitae indicates that this missense variant is not expected to disrupt WDR19 protein function with a negative predictive value of 80%. In summary, the available evidence is currently insufficient to determine the role of this variant in disease. Therefore, it has been classified as a Variant of Uncertain Significance.